The following is an entry in ClinVar:

ClinVar aggregate classification (germline): Pathogenic (1 of 4 stars; one submission).

Conditions:
Congenital muscular hypertrophy-cerebral syndrome (CDLS2). Also called: Cornelia de Lange syndrome 2; SMC1A-Related Cornelia de Lange Syndrome. Identifiers: Orphanet 199, MedGen C1802395, MONDO:0010370, OMIM 300590.

Submission:

Labcorp Genetics (formerly Invitae), Labcorp
Classification: Pathogenic for Congenital muscular hypertrophy-cerebral syndrome. Last evaluated: 2023-01-30. Review status: criteria provided, single submitter. Criteria: Invitae Variant Classification Sherloc (09022015). Collection method: clinical testing. Allele origin: germline.
Comment: This sequence change creates a premature translational stop signal (p.Cys781*) in the SMC1A gene. It is expected to result in an absent or disrupted protein product. Loss-of-function variants in SMC1A are known to be pathogenic (PMID: 26386245, 27334371, 28166369, 28548707, 31334757). This variant is not present in population databases (gnomAD no frequency). This variant has not been reported in the literature in individuals affected with SMC1A-related conditions. For these reasons, this variant has been classified as Pathogenic.

Literature cited by the submitters: PubMed 26386245; PubMed 27334371; PubMed 28166369; PubMed 28548707; PubMed 31334757.

NM_006306.4(SMC1A):c.2343T>A (p.Cys781Ter)

Gene: SMC1A (structural maintenance of chromosomes 1A; minus strand). Cytogenetic location: Xp11.22.
Variant type: single nucleotide variant.
Coding change: c.2343T>A on transcript NM_006306.4 (MANE Select); coding-DNA position 2343, T replaced by A.
Protein change: p.Cys781Ter; replaces cysteine 781 with a stop codon.
Molecular consequence: nonsense.
Genome position (GRCh38, 1-based): chrX:53,403,643, A>T on the plus strand (T>A on the coding strand, the complement: SMC1A is on the minus strand). VCF-style: chrX-53403643-A-T. GRCh37 (hg19) VCF-style: chrX-53430575-A-T.
Other names: c.2277T>A, p.Cys759Ter (NM_001281463.1); short protein forms C759*, C781*.
Identifiers: ClinVar variation 2832942 (VCV002832942.3), dbSNP rs2520919876, ClinGen allele CA413251065.